The following is an entry in ClinVar:

NM_017617.5(NOTCH1):c.712G>A (p.Asp238Asn)

Gene: NOTCH1 (notch receptor 1; minus strand). Cytogenetic location: 9q34.3.
Variant type: single nucleotide variant.
Coding change: c.712G>A on transcript NM_017617.5 (MANE Select); coding-DNA position 712, G replaced by A.
Protein change: p.Asp238Asn; replaces aspartic acid 238 with asparagine.
Molecular consequence: missense variant.
Genome position (GRCh38, 1-based): chr9:136,522,880, C>T on the plus strand (G>A on the coding strand, the complement: NOTCH1 is on the minus strand). VCF-style: chr9-136522880-C-T. GRCh37 (hg19) VCF-style: chr9-139417332-C-T.
Other names: c.712G>A (NM_017617.3); short protein forms D238N.
Identifiers: ClinVar variation 1041305 (VCV001041305.12), dbSNP rs550554578, ClinGen allele CA5342096.
Genomic context (GRCh38, chr9:136,522,880, plus strand): 5'-TCGTGCACCCCGGCCAGCGGGCAGCACTACCTGGCAGGCAGGCACACTCGTGGGTGACGT[C>T]GCCCGTGGGGCGGCAGGTGCCCCCGTTCTGGCAGGGCGAGGGGCTGCAGGGCACGTAGGG-3'
Protein context (NP_060087.3, residues 228-248): QNGGTCRPTG[Asp238Asn]VTHECACLPG

ClinVar aggregate classification (germline): Uncertain significance. Review status: criteria provided, multiple submitters, no conflicts (2 of 4 stars). 4 submissions from 4 submitters: Uncertain significance (4). Last evaluated 2026-05-15.

Conditions:
Adams-Oliver syndrome 5 (AOS5). Identifiers: Orphanet 974, MedGen C4014970, MONDO:0014459, OMIM 616028.
Familial thoracic aortic aneurysm and aortic dissection (TAAD). Also called: Thoracic aortic aneurysms and dissections. Identifiers: Orphanet 91387, MedGen C4707243, MONDO:0019625.

Allele frequency attached by ClinVar (database versions not stated): ExAC below 0.00001; gnomAD 0.00001 and 0.00002; gnomAD exomes 0.00001; TOPMed 0.00002; 1000 Genomes Project 30x 0.00031; 1000 Genomes Project 0.00040.
gnomAD v4.1: 12 of 1,523,124 alleles (0.00079%); highest among the groups gnomAD compares: African/African-American, 0.0041%; no homozygotes.

Submissions (4):

Ambry Genetics
Classification: Uncertain significance for Familial thoracic aortic aneurysm and aortic dissection. Last evaluated: 2026-05-15. Review status: criteria provided, single submitter. Criteria: Ambry Variant Classification Scheme 2023. Collection method: clinical testing. Allele origin: germline.
Comment: The p.D238N variant (also known as c.712G>A), located in coding exon 4 of the NOTCH1 gene, results from a G to A substitution at nucleotide position 712. The aspartic acid at codon 238 is replaced by asparagine, an amino acid with highly similar properties. This amino acid position is not well conserved in available vertebrate species. In addition, this alteration is predicted to be tolerated by in silico analysis. Based on the available evidence, the clinical significance of this variant remains unclear.

Labcorp Genetics (formerly Invitae), Labcorp
Classification: Uncertain significance for Adams-Oliver syndrome 5. Last evaluated: 2025-07-02. Review status: criteria provided, single submitter. Criteria: Invitae Variant Classification Sherloc (09022015). Collection method: clinical testing. Allele origin: germline.
Comment: This sequence change replaces aspartic acid, which is acidic and polar, with asparagine, which is neutral and polar, at codon 238 of the NOTCH1 protein (p.Asp238Asn). The frequency data for this variant in the population databases is considered unreliable, as metrics indicate poor data quality at this position in the gnomAD database. This variant has not been reported in the literature in individuals affected with NOTCH1-related conditions. ClinVar contains an entry for this variant (Variation ID: 1041305). Invitae Evidence Modeling of protein sequence and biophysical properties (such as structural, functional, and spatial information, amino acid conservation, physicochemical variation, residue mobility, and thermodynamic stability) indicates that this missense variant is not expected to disrupt NOTCH1 protein function with a negative predictive value of 95%. In summary, the available evidence is currently insufficient to determine the role of this variant in disease. Therefore, it has been classified as a Variant of Uncertain Significance.

ARUP Laboratories, Molecular Genetics and Genomics, ARUP Laboratories
Classification: Uncertain significance. Last evaluated: 2025-06-12. Review status: criteria provided, single submitter. Criteria: ARUP Molecular Germline Variant Investigation Process 2024. Collection method: clinical testing. Allele origin: germline.
Comment: The NOTCH1 c.712G>A; p.Asp238Asn variant (rs550554578; ClinVar ID: 1041305) is reported in the literature in a mother and daughter affected with lymphedema, although it was not demonstrated to be disease-causing (Michelini 2021). This variant is only observed on one allele in the Genome Aggregation Database (v2.1.1), indicating it is not a common polymorphism. Computational analyses are uncertain whether this variant is neutral or deleterious (REVEL: 0.41). Due to limited information, the clinical significance of this variant is uncertain at this time. References: Michelini S et al. NOTCH1: Review of its role in lymphatic development and study of seven families with rare pathogenic variants. Mol Genet Genomic Med. 2021 Jan;9(1):e1529. PMID: 33247628.

Blueprint Genetics
Classification: Uncertain significance. Last evaluated: 2022-03-25. Review status: criteria provided, single submitter. Criteria: ACMG Guidelines, 2015. Collection method: clinical testing. Allele origin: germline.